The following is an entry in ClinVar:

NM_007194.4(CHEK2):c.445G>C (p.Glu149Gln)

Gene: CHEK2 (checkpoint kinase 2; minus strand). Cytogenetic location: 22q12.1.
Variant type: single nucleotide variant.
Coding change: c.445G>C on transcript NM_007194.4 (MANE Select); coding-DNA position 445, G replaced by C.
Protein change: p.Glu149Gln; replaces glutamic acid 149 with glutamine.
Molecular consequence: missense variant. On other transcripts: 5 prime UTR variant (2), intron variant (1).
Genome position (GRCh38, 1-based): chr22:28,725,124, C>G on the plus strand (G>C on the coding strand, the complement: CHEK2 is on the minus strand). VCF-style: chr22-28725124-C-G. GRCh37 (hg19) VCF-style: chr22-29121112-C-G.
Other names: c.574G>C, p.Glu192Gln (NM_001005735.3, NM_001438294.1); c.-333G>C (NM_001257387.3); c.538G>C, p.Glu180Gln (NM_001438295.1, NM_001438293.1); c.445G>C, p.Glu149Gln (NM_145862.3); c.-219G>C (NM_001437942.1); c.444+119G>C (NM_001349956.3); short protein forms E149Q, E192Q, E180Q.
Identifiers: ClinVar variation 920756 (VCV000920756.7), dbSNP rs587782560, ClinGen allele CA411107781.

ClinVar aggregate classification (germline): Uncertain significance. Review status: criteria provided, multiple submitters, no conflicts (2 of 4 stars). 2 submissions from 2 submitters: Uncertain significance (2). Last evaluated 2024-08-28.

Conditions:
Hereditary cancer-predisposing syndrome. Also called: Neoplastic Syndromes, Hereditary; Tumor predisposition; Hereditary Cancer Syndrome; Hereditary neoplastic syndrome. Identifiers: Orphanet 140162, MedGen C0027672, MeSH D009386, MONDO:0015356.
Familial cancer of breast. Also called: BREAST CANCER, FAMILIAL; Hereditary breast cancer; hereditary breast carcinoma. Identifiers: Orphanet 227535, MedGen C0346153, MONDO:0016419, OMIM 114480. Disease mechanism: loss of function.

gnomAD v4.1: 2 of 1,614,084 alleles (0.00012%); highest among the groups gnomAD compares: Non-Finnish European, 0.00017%; no homozygotes.

Submissions (2):

Color Diagnostics, LLC DBA Color Health
Classification: Uncertain significance for Hereditary cancer-predisposing syndrome. Last evaluated: 2024-08-28. Review status: criteria provided, single submitter. Criteria: ACMG Guidelines, 2015. Collection method: clinical testing. Allele origin: germline.
Comment: This missense variant replaces glutamic acid with glutamine at codon 149 of the CHEK2 protein. Computational prediction is inconclusive regarding the impact of this variant on protein structure and function. To our knowledge, functional studies have not been reported for this variant. This variant has not been reported in individuals affected with CHEK2-related disorders in the literature. This variant has not been identified in the general population by the Genome Aggregation Database (gnomAD). The available evidence is insufficient to determine the role of this variant in disease conclusively. Therefore, this variant is classified as a Variant of Uncertain Significance.

Labcorp Genetics (formerly Invitae), Labcorp
Classification: Uncertain significance for Familial cancer of breast. Last evaluated: 2022-04-27. Review status: criteria provided, single submitter. Criteria: Invitae Variant Classification Sherloc (09022015). Collection method: clinical testing. Allele origin: germline.
Comment: In summary, the available evidence is currently insufficient to determine the role of this variant in disease. Therefore, it has been classified as a Variant of Uncertain Significance. Algorithms developed to predict the effect of sequence changes on RNA splicing suggest that this variant may disrupt the consensus splice site. Algorithms developed to predict the effect of missense changes on protein structure and function (SIFT, PolyPhen-2, Align-GVGD) all suggest that this variant is likely to be disruptive. ClinVar contains an entry for this variant (Variation ID: 920756). This variant has not been reported in the literature in individuals affected with CHEK2-related conditions. This variant is not present in population databases (gnomAD no frequency). This sequence change replaces glutamic acid, which is acidic and polar, with glutamine, which is neutral and polar, at codon 149 of the CHEK2 protein (p.Glu149Gln).